The following is an entry in ClinVar:

NM_144701.3(IL23R):c.163G>A (p.Ala55Thr)

Gene: IL23R (interleukin 23 receptor; plus strand). Cytogenetic location: 1p31.3.
Variant type: single nucleotide variant.
Coding change: c.163G>A on transcript NM_144701.3 (MANE Select); coding-DNA position 163, G replaced by A.
Protein change: p.Ala55Thr; replaces alanine 55 with threonine.
Molecular consequence: missense variant.
Genome position (GRCh38, 1-based): chr1:67,169,434, G>A. VCF-style: chr1-67169434-G-A. GRCh37 (hg19) VCF-style: chr1-67635117-G-A.
Other names: short protein forms A55T.
Identifiers: ClinVar variation 1059313 (VCV001059313.7), dbSNP rs539781624, ClinGen allele CA899653.

ClinVar aggregate classification (germline): Uncertain significance (1 of 4 stars; one submission).

Allele frequency attached by ClinVar (database versions not stated): ExAC 0.00001; gnomAD 0.00002; TOPMed 0.00002; gnomAD exomes 0.00003 and 0.00006.
gnomAD v4.1: 41 of 1,613,342 alleles (0.0025%); highest among the groups gnomAD compares: Non-Finnish European, 0.0026%; no homozygotes.

Submission:

Labcorp Genetics (formerly Invitae), Labcorp
Classification: Uncertain significance. Last evaluated: 2025-11-03. Review status: criteria provided, single submitter. Criteria: Invitae Variant Classification Sherloc (09022015). Collection method: clinical testing. Allele origin: germline.
Comment: This sequence change replaces alanine, which is neutral and non-polar, with threonine, which is neutral and polar, at codon 55 of the IL23R protein (p.Ala55Thr). This variant is present in population databases (rs539781624, gnomAD 0.04%). This variant has not been reported in the literature in individuals affected with IL23R-related conditions. ClinVar contains an entry for this variant (Variation ID: 1059313). An algorithm developed to predict the effect of missense changes on protein structure and function outputs the following: PolyPhen-2: "Possibly Damaging". The threonine amino acid residue is found in multiple mammalian species, which suggests that this missense change does not adversely affect protein function. In summary, the available evidence is currently insufficient to determine the role of this variant in disease. Therefore, it has been classified as a Variant of Uncertain Significance.